The following is an entry in ClinVar:

NM_000059.4(BRCA2):c.2650T>G (p.Ser884Ala)

Gene: BRCA2 (BRCA2 DNA repair associated; plus strand). Cytogenetic location: 13q13.1.
Variant type: single nucleotide variant.
Coding change: c.2650T>G on transcript NM_000059.4 (MANE Select); coding-DNA position 2650, T replaced by G.
Protein change: p.Ser884Ala; replaces serine 884 with alanine.
Molecular consequence: missense variant.
Genome position (GRCh38, 1-based): chr13:32,337,005, T>G. VCF-style: chr13-32337005-T-G. GRCh37 (hg19) VCF-style: chr13-32911142-T-G.
Other names: short protein forms S884A.
Identifiers: ClinVar variation 462268 (VCV000462268.12), dbSNP rs1555282771, ClinGen allele CA387773301.
Genomic context (GRCh38, chr13:32,337,005, plus strand): 5'-CAAGAAGAAACTACTTCAATTTCAAAAATAACTGTCAATCCAGACTCTGAAGAACTTTTC[T>G]CAGACAATGAGAATAATTTTGTCTTCCAAGTAGCTAATGAAAGGAATAATCTTGCTTTAG-3'
Protein context (NP_000050.3, residues 874-894): TVNPDSEELF[Ser884Ala]DNENNFVFQV

ClinVar aggregate classification (germline): Conflicting classifications of pathogenicity. Review status: criteria provided, conflicting classifications (1 of 4 stars). 3 submissions from 3 submitters: Uncertain significance (2); Likely benign (1). Last evaluated 2023-03-23.

Conditions:
Hereditary cancer-predisposing syndrome. Also called: Neoplastic Syndromes, Hereditary; Hereditary Cancer Syndrome; Hereditary neoplastic syndrome; Tumor predisposition. Identifiers: Orphanet 140162, MedGen C0027672, MeSH D009386, MONDO:0015356.
Hereditary breast ovarian cancer syndrome. Also called: Hereditary breast and ovarian cancer syndrome (HBOC); Hereditary breast and ovarian cancer syndrome; Breast and ovarian cancer; Hereditary breast and/or ovarian cancer syndrome; Hereditary breast and ovarian cancer; BRCA1- and BRCA2-Associated Hereditary Breast and Ovarian Cancer. Identifiers: Orphanet 145, MedGen C0677776, MeSH D061325, MONDO:0003582. Disease mechanism: loss of function.

Allele frequency attached by ClinVar (database versions not stated): gnomAD exomes below 0.00001.
gnomAD v4.1: 1 of 1,588,620 alleles (0.000063%); highest among the groups gnomAD compares: African/African-American, 0.0014%; no homozygotes.

Submissions (3):

University of Washington Department of Laboratory Medicine, University of Washington
Classification: Likely benign for Hereditary cancer-predisposing syndrome. Last evaluated: 2023-03-23. Review status: criteria provided, single submitter. Criteria: Dines et al. (Genet Med. 2020). Collection method: curation. Allele origin: germline.
Comment: Missense variant in a coldspot region where missense variants are very unlikely to be pathogenic (PMID:31911673).

BRCA2 exon 11 coldspot. Reclassification based on statistical prior probability.

Labcorp Genetics (formerly Invitae), Labcorp
Classification: Uncertain significance for Hereditary breast ovarian cancer syndrome. Last evaluated: 2021-03-18. Review status: criteria provided, single submitter. Criteria: Invitae Variant Classification Sherloc (09022015). Collection method: clinical testing. Allele origin: germline.
Comment: In summary, this variant is a novel missense change that is not predicted to affect protein function. There is no indication that it causes disease, but the available evidence is currently insufficient to prove that conclusively. Therefore, it has been classified as a Variant of Uncertain Significance. Algorithms developed to predict the effect of missense changes on protein structure and function output the following: SIFT: "Tolerated"; PolyPhen-2: "Benign"; Align-GVGD: "Class C0". The alanine amino acid residue is found in multiple mammalian species, suggesting that this missense change does not adversely affect protein function. These predictions have not been confirmed by published functional studies. This variant is not present in population databases (ExAC no frequency) and has not been reported in the literature in individuals with a BRCA2-related disease. This sequence change replaces serine with alanine at codon 884 of the BRCA2 protein (p.Ser884Ala). The serine residue is weakly conserved and there is a moderate physicochemical difference between serine and alanine.

Ambry Genetics
Classification: Uncertain significance for Hereditary cancer-predisposing syndrome. Last evaluated: 2020-09-17. Review status: criteria provided, single submitter. Criteria: Ambry Variant Classification Scheme 2023. Collection method: clinical testing. Allele origin: germline.
Comment: The p.S884A variant (also known as c.2650T>G), located in coding exon 10 of the BRCA2 gene, results from a T to G substitution at nucleotide position 2650. The serine at codon 884 is replaced by alanine, an amino acid with similar properties. This amino acid position is poorly conserved in available vertebrate species. In addition, this alteration is predicted to be tolerated by in silico analysis. Since supporting evidence is limited at this time, the clinical significance of this alteration remains unclear.